The following is an entry in ClinVar:

NM_000051.4(ATM):c.942C>G (p.Asn314Lys)

Gene: ATM (ATM serine/threonine kinase; plus strand). Cytogenetic location: 11q22.3.
Variant type: single nucleotide variant.
Coding change: c.942C>G on transcript NM_000051.4 (MANE Select); coding-DNA position 942, C replaced by G.
Protein change: p.Asn314Lys; replaces asparagine 314 with lysine.
Molecular consequence: missense variant.
Genome position (GRCh38, 1-based): chr11:108,247,004, C>G. VCF-style: chr11-108247004-C-G. GRCh37 (hg19) VCF-style: chr11-108117731-C-G.
Other names: c.942C>G, p.Asn314Lys (NM_001351834.2); short protein forms N314K.
Identifiers: ClinVar variation 4866048 (VCV004866048.1).

ClinVar aggregate classification (germline): Uncertain significance (1 of 4 stars; one submission).

Conditions:
Hereditary cancer-predisposing syndrome. Also called: Neoplastic Syndromes, Hereditary; Tumor predisposition; Hereditary Cancer Syndrome; Hereditary neoplastic syndrome. Identifiers: Orphanet 140162, MedGen C0027672, MeSH D009386, MONDO:0015356.

gnomAD v4.1: 1 of 1,612,918 alleles (0.000062%); highest among the groups gnomAD compares: Non-Finnish European, 0.000085%; no homozygotes.

Submission:

Ambry Genetics
Classification: Uncertain significance for Hereditary cancer-predisposing syndrome. Last evaluated: 2026-03-26. Review status: criteria provided, single submitter. Criteria: Ambry Variant Classification Scheme 2023. Collection method: clinical testing. Allele origin: germline.
Comment: The p.N314K variant (also known as c.942C>G), located in coding exon 7 of the ATM gene, results from a C to G substitution at nucleotide position 942. The asparagine at codon 314 is replaced by lysine, an amino acid with similar properties. This amino acid position is conserved. In addition, this alteration is predicted to be tolerated by in silico analysis. Based on the available evidence, the clinical significance of this variant remains unclear.